The following is an entry in ClinVar:

NM_001231.5(CASQ1):c.279+1G>A

Gene: CASQ1 (calsequestrin 1; plus strand). Cytogenetic location: 1q23.2.
Variant type: single nucleotide variant.
Coding change: c.279+1G>A on transcript NM_001231.5 (MANE Select); the canonical splice donor site of the intron after coding-DNA position 279, G replaced by A.
Molecular consequence: splice donor variant.
Genome position (GRCh38, 1-based): chr1:160,191,031, G>A. VCF-style: chr1-160191031-G-A. GRCh37 (hg19) VCF-style: chr1-160160821-G-A.
Identifiers: ClinVar variation 2038090 (VCV002038090.5), dbSNP rs2525041334, ClinGen allele CA343251365.

ClinVar aggregate classification (germline): Uncertain significance. Review status: criteria provided, multiple submitters, no conflicts (2 of 4 stars). 2 submissions from 2 submitters: Uncertain significance (2). Last evaluated 2025-09-09.

Submissions (2):

GeneDx
Classification: Uncertain significance. Last evaluated: 2025-09-09. Review status: criteria provided, single submitter. Criteria: GeneDx Variant Classification Process June 2021. Collection method: clinical testing. Allele origin: germline. Affected: yes.
Comment: Not observed at significant frequency in large population cohorts (gnomAD); Canonical splice site variant in a gene or region of a gene for which loss of function is not a well-established mechanism of disease; Has not been previously published as pathogenic or benign to our knowledge

Labcorp Genetics (formerly Invitae), Labcorp
Classification: Uncertain significance. Last evaluated: 2025-07-27. Review status: criteria provided, single submitter. Criteria: Invitae Variant Classification Sherloc (09022015). Collection method: clinical testing. Allele origin: germline.
Comment: This sequence change affects a donor splice site in intron 1 of the CASQ1 gene. It is expected to disrupt RNA splicing. Variants that disrupt the donor or acceptor splice site typically lead to a loss of protein function (PMID: 16199547), however the current clinical and genetic evidence is not sufficient to establish whether loss-of-function variants in CASQ1 cause disease. This variant is not present in population databases (gnomAD no frequency). This variant has not been reported in the literature in individuals affected with CASQ1-related conditions. ClinVar contains an entry for this variant (Variation ID: 2038090). Algorithms developed to predict the effect of sequence changes on RNA splicing suggest that this variant may disrupt the consensus splice site. In summary, the available evidence is currently insufficient to determine the role of this variant in disease. Therefore, it has been classified as a Variant of Uncertain Significance.

Literature cited by the submitters: PubMed 16199547 (cited by Labcorp Genetics (formerly Invitae), Labcorp).